The following is an entry in ClinVar:

ClinVar aggregate classification (germline): Uncertain significance. Review status: criteria provided, single submitter (1 of 4 stars). 2 submissions from 2 submitters: Uncertain significance (1). 1 of the submissions does not count toward it. Last evaluated 2026-01-22.

Conditions:
Dyskeratosis congenita. Identifiers: Orphanet 1775, MedGen C0265965, MONDO:0015780.
Dyskeratosis congenita, X-linked (DKCX). Also called: Zinsser-Cole-Engman Syndrome. Identifiers: MedGen C1148551, MONDO:0010584, OMIM 305000.

Allele frequency attached by ClinVar (database versions not stated): gnomAD exomes below 0.00001 and 0.00001; gnomAD 0.00001; TOPMed 0.00001.
gnomAD v4.1: 2 of 1,206,579 alleles (0.00017%); highest among the groups gnomAD compares: Non-Finnish European, 0.00022%; no homozygotes.

Submissions (2):

Labcorp Genetics (formerly Invitae), Labcorp
Classification: Uncertain significance for Dyskeratosis congenita. Last evaluated: 2026-01-22. Review status: criteria provided, single submitter. Criteria: Invitae Variant Classification Sherloc (09022015). Collection method: clinical testing. Allele origin: germline.
Comment: This sequence change replaces aspartic acid, which is acidic and polar, with asparagine, which is neutral and polar, at codon 359 of the DKC1 protein (p.Asp359Asn). This variant is not present in population databases (gnomAD no frequency). This missense change has been observed in individuals with clinical features of dyskeratosis congenita (PMID: 16332973; internal data). ClinVar contains an entry for this variant (Variation ID: 38933). Invitae Evidence Modeling of protein sequence and biophysical properties (such as structural, functional, and spatial information, amino acid conservation, physicochemical variation, residue mobility, and thermodynamic stability) indicates that this missense variant is not expected to disrupt DKC1 protein function with a negative predictive value of 80%. In summary, the available evidence is currently insufficient to determine the role of this variant in disease. Therefore, it has been classified as a Variant of Uncertain Significance.

GeneReviews
No classification provided. Condition: Dyskeratosis congenita, X-linked. Review status: no classification provided. Collection method: literature only. Allele origin: unknown. Not counted in ClinVar's aggregate classification.

Literature cited by the submitters: PubMed 16332973 (cited by Labcorp Genetics (formerly Invitae), Labcorp); PubMed 20301779 (cited by GeneReviews); NCBI Bookshelf NBK22301 (cited by GeneReviews).

NM_001363.5(DKC1):c.1075G>A (p.Asp359Asn)

Gene: DKC1 (dyskerin pseudouridine synthase 1; plus strand). Cytogenetic location: Xq28.
Variant type: single nucleotide variant.
Coding change: c.1075G>A on transcript NM_001363.5 (MANE Select); coding-DNA position 1075, G replaced by A.
Protein change: p.Asp359Asn; replaces aspartic acid 359 with asparagine.
Molecular consequence: missense variant. On other transcripts: non-coding transcript variant (3).
Genome position (GRCh38, 1-based): chrX:154,773,169, G>A. VCF-style: chrX-154773169-G-A. GRCh37 (hg19) VCF-style: chrX-154001444-G-A.
Other names: c.1075G>A, p.Asp359Asn (NM_001142463.3, NM_001288747.2); short protein forms D359N.
Identifiers: ClinVar variation 38933 (VCV000038933.4), dbSNP rs199422249, ClinGen allele CA343202.
Genomic context (GRCh38, chrX:154,773,169, plus strand): 5'-TTTCTTTATTCAATGCCTGTAGCTATTGCATTAATGACCACAGCGGTCATCTCTACCTGC[G>A]ACCATGGTATAGTAGCCAAGATCAAGAGAGTGATCATGGAGAGAGACACTTACCCTCGGA-3'
Protein context (NP_001354.1, residues 349-369): LMTTAVISTC[Asp359Asn]HGIVAKIKRV